The following is an entry in ClinVar:

NM_001037283.2(EIF3B):c.2084A>G (p.Asn695Ser)

Gene: EIF3B (eukaryotic translation initiation factor 3 subunit B; plus strand). Cytogenetic location: 7p22.3.
Variant type: single nucleotide variant.
Coding change: c.2084A>G on transcript NM_001037283.2 (MANE Select); coding-DNA position 2084, A replaced by G.
Protein change: p.Asn695Ser; replaces asparagine 695 with serine.
Molecular consequence: missense variant.
Genome position (GRCh38, 1-based): chr7:2,377,005, A>G. VCF-style: chr7-2377005-A-G. GRCh37 (hg19) VCF-style: chr7-2416640-A-G.
Other names: c.2084A>G, p.Asn695Ser (NM_001362791.2, NM_003751.4); c.1268A>G, p.Asn423Ser (NM_001362792.2, NM_001362793.2); short protein forms N423S, N695S.
Identifiers: ClinVar variation 4891138 (VCV004891138.1).

ClinVar aggregate classification (germline): Uncertain significance (1 of 4 stars; one submission).

Submission:

Greenwood Genetic Center Diagnostic Laboratories, Greenwood Genetic Center
Classification: Uncertain significance. Last evaluated: 2026-06-09. Review status: criteria provided, single submitter. Criteria: ACMG Guidelines, 2015. Collection method: clinical testing. Allele origin: germline.
Comment: PM2, BP1, BP4